The following is an entry in ClinVar:

ClinVar aggregate classification (germline): Pathogenic. Review status: criteria provided, multiple submitters, no conflicts (2 of 4 stars). 2 submissions from 2 submitters: Pathogenic (2). Last evaluated 2026-04-07.

Conditions:
Cohen syndrome (COH1). Also called: PEPPER SYNDROME; Cutis verticis gyrata, retinitis pigmentosa, and sensorineural deafness. Identifiers: Orphanet 193, MedGen C0265223, MONDO:0008999, OMIM 216550.

Submissions (2):

Myriad Genetics, Inc.
Classification: Pathogenic for Cohen syndrome. Last evaluated: 2026-04-07. Review status: criteria provided, single submitter. Criteria: Myriad Autosomal Dominant, Autosomal Recessive and X-Linked Classification Criteria (2023). Collection method: clinical testing. Allele origin: unknown.
Comment: NM_017890.4(VPS13B):c.11548_11551delAACA(N3850Afs*27) is a frameshift variant classified as pathogenic in the context of Cohen syndrome. N3850Afs*27 has not been observed in cases with relevant disease. Relevant functional assessments of this variant are not available in the literature. N3850Afs*27 has not been observed in referenced population frequency databases. In summary, NM_017890.4(VPS13B):c.11548_11551delAACA(N3850Afs*27) is a frameshift variant in a gene where loss of function is a known mechanism of disease and is predicted to disrupt protein function. Please note: this variant was assessed in the context of healthy population screening.

Labcorp Genetics (formerly Invitae), Labcorp
Classification: Pathogenic for Cohen syndrome. Last evaluated: 2021-03-16. Review status: criteria provided, single submitter. Criteria: Invitae Variant Classification Sherloc (09022015). Collection method: clinical testing. Allele origin: germline.
Comment: For these reasons, this variant has been classified as Pathogenic. This variant has not been reported in the literature in individuals with VPS13B-related conditions. This variant is not present in population databases (ExAC no frequency). This sequence change creates a premature translational stop signal (p.Asn3850Alafs*27) in the VPS13B gene. It is expected to result in an absent or disrupted protein product. Loss-of-function variants in VPS13B are known to be pathogenic (PMID: 15141358, 16648375, 20461111).

Literature cited by the submitters: PubMed 15141358 (cited by Labcorp Genetics (formerly Invitae), Labcorp); PubMed 16648375 (cited by Labcorp Genetics (formerly Invitae), Labcorp); PubMed 20461111 (cited by Labcorp Genetics (formerly Invitae), Labcorp).

NM_152564.5(VPS13B):c.11473_11476del (p.Asn3825fs)

Gene: VPS13B (vacuolar protein sorting 13 homolog B; plus strand). Cytogenetic location: 8q22.2.
Variant type: Deletion.
Coding change: c.11473_11476del on transcript NM_152564.5 (MANE Select); coding-DNA positions 11473 to 11476, 4 bases deleted (AACA; older notation c.11473_11476delAACA).
Protein change: p.Asn3825fs; shifts the reading frame from asparagine 3825.
Molecular consequence: frameshift variant.
Genome position (GRCh38, 1-based): chr8:99,870,865-99,870,868, AACA deleted; deleting any 4 consecutive bases within chr8:99,870,863-99,870,868 gives the same sequence; the c. name uses the placement nearest the transcript's 3' end. VCF-style (leftmost placement, unchanged base first): chr8-99870862-CCAAA-C. GRCh37 (hg19) VCF-style: chr8-100883090-CCAAA-C.
Other names: c.11548_11551del, p.Asn3850fs (NM_017890.5); short protein forms N3825fs, N3850fs.
Identifiers: ClinVar variation 1445971 (VCV001445971.7), dbSNP rs2130972632, ClinGen allele CA2573143505.